The following is an entry in ClinVar:

ClinVar aggregate classification (germline): Benign/Likely benign. Review status: criteria provided, multiple submitters, no conflicts (2 of 4 stars). 5 submissions from 5 submitters: Benign (3); Likely benign (2). Last evaluated 2026-02-03.

Conditions:
Bardet-Biedl syndrome 20. Identifiers: MedGen C4310707, MONDO:0023670, OMIM 619471, MONDO:0014926.
Retinitis pigmentosa 71 (RP71). Identifiers: Orphanet 791, MedGen C4225342, MONDO:0014618, OMIM 616394.
Short-rib thoracic dysplasia 10 with or without polydactyly (SRTD10). Identifiers: Orphanet 474, MedGen C3810175, MONDO:0014284, OMIM 615630.

Allele frequency attached by ClinVar (database versions not stated): 1000 Genomes Project 0.00499; gnomAD 0.00504 and 0.00514; TOPMed 0.00507; ESP Exome Variant Server 0.00531; 1000 Genomes Project 30x 0.00547; ExAC 0.00576.
gnomAD v4.1: 9,964 of 1,611,802 alleles (0.62%); highest among the groups gnomAD compares: Middle Eastern, 1.5%; 41 homozygotes.

Submissions (5):

Labcorp Genetics (formerly Invitae), Labcorp
Classification: Benign for Retinitis pigmentosa 71; Short-rib thoracic dysplasia 10 with or without polydactyly. Last evaluated: 2026-02-03. Review status: criteria provided, single submitter. Criteria: Invitae Variant Classification Sherloc (09022015). Collection method: clinical testing. Allele origin: germline.

Genomic Medicine Center of Excellence, King Faisal Specialist Hospital and Research Centre
Classification: Likely benign. Last evaluated: 2025-08-18. Review status: criteria provided, single submitter. Criteria: ACMG Guidelines, 2015. Collection method: clinical testing. Allele origin: germline.

Fulgent Genetics
Classification: Likely benign for Short-rib thoracic dysplasia 10 with or without polydactyly; Retinitis pigmentosa 71; Bardet-Biedl syndrome 20. Last evaluated: 2021-08-30. Review status: criteria provided, single submitter. Criteria: ACMG Guidelines, 2015. Collection method: clinical testing. Allele origin: unknown.

GeneDx
Classification: Benign. Last evaluated: 2016-09-15. Review status: criteria provided, single submitter. Criteria: GeneDx Variant Classification (06012015). Collection method: clinical testing. Allele origin: germline. Affected: yes.
Comment: This variant is considered likely benign or benign based on one or more of the following criteria: it is a conservative change, it occurs at a poorly conserved position in the protein, it is predicted to be benign by multiple in silico algorithms, and/or has population frequency not consistent with disease.

Breakthrough Genomics
Classification: Benign. Review status: criteria provided, single submitter. Criteria: ACMG Guidelines, 2015. Collection method: not provided. Allele origin: germline. Inheritance: Autosomal recessive inheritance. Affected: yes.

NM_015662.3(IFT172):c.4659+16T>C

Gene: IFT172 (intraflagellar transport 172; minus strand). Cytogenetic location: 2p23.3.
Variant type: single nucleotide variant.
Coding change: c.4659+16T>C on transcript NM_015662.3 (MANE Select); 16 bases into the intron after coding-DNA position 4659, T replaced by C.
Molecular consequence: intron variant.
Genome position (GRCh38, 1-based): chr2:27,447,499, A>G on the plus strand (T>C on the coding strand, the complement: IFT172 is on the minus strand). VCF-style: chr2-27447499-A-G. GRCh37 (hg19) VCF-style: chr2-27670366-A-G.
Identifiers: ClinVar variation 379766 (VCV000379766.13), dbSNP rs143060452, ClinGen allele CA1579536.
Genomic context (GRCh38, chr2:27,447,499, plus strand): 5'-CGTGAATCAATTCAGCTTTATACATTTGCAGATGAGCCCTTCTGACTGAGTGTTCCTTCG[A>G]CCCCCTACATCTCACCAGCTGTTTGACACTCTGGGCTGCAGAGCGCGTGGCATAGTAATG-3'